The following is an entry in ClinVar:

ClinVar aggregate classification (germline): Pathogenic (1 of 4 stars; one submission).

Allele frequency attached by ClinVar (database versions not stated): gnomAD exomes 0.00001.
gnomAD v4.1: 10 of 1,606,344 alleles (0.00062%); highest among the groups gnomAD compares: Non-Finnish European, 0.00085%; no homozygotes.

Submission:

Labcorp Genetics (formerly Invitae), Labcorp
Classification: Pathogenic. Last evaluated: 2023-06-07. Review status: criteria provided, single submitter. Criteria: Invitae Variant Classification Sherloc (09022015). Collection method: clinical testing. Allele origin: germline.
Comment: This sequence change replaces histidine, which is basic and polar, with leucine, which is neutral and non-polar, at codon 39 of the CYP21A2 protein (p.His39Leu). For these reasons, this variant has been classified as Pathogenic. Experimental studies have shown that this missense change affects CYP21A2 function. Advanced modeling of protein sequence and biophysical properties (such as structural, functional, and spatial information, amino acid conservation, physicochemical variation, residue mobility, and thermodynamic stability) performed at Invitae indicates that this missense variant is not expected to disrupt CYP21A2 protein function. ClinVar contains an entry for this variant (Variation ID: 1451631). This variant is also known as H38L. This missense change has been observed in individual(s) with non-classic, and classic simple virilizing, congenital adrenal hyperplasia due to 21-hydroxylase deficiency (PMID: 21912141, 29035424; https//). In at least one individual the data is consistent with being in trans (on the opposite chromosome) from a pathogenic variant. The frequency data for this variant in the population databases (gnomAD) is considered unreliable due to the presence of homologous sequence, such as pseudogenes or paralogs, in the genome.

Literature cited by the submitters: PubMed 21912141; PubMed 29035424; PubMed 00699819.

NM_000500.9(CYP21A2):c.116A>T (p.His39Leu)

Genes: CYP21A2 (cytochrome P450 family 21 subfamily A member 2; plus strand), LOC106780800 (CYP21A2 recombination region; plus strand). Cytogenetic location: 6p21.33.
Variant type: single nucleotide variant.
Coding change: c.116A>T on transcript NM_000500.9 (MANE Select); coding-DNA position 116, A replaced by T.
Protein change: p.His39Leu; replaces histidine 39 with leucine.
Molecular consequence: missense variant. On other transcripts: 5 prime UTR variant (2).
Genome position (GRCh38, 1-based): chr6:32,038,538, A>T. VCF-style: chr6-32038538-A-T. GRCh37 (hg19) VCF-style: chr6-32006315-A-T.
Other names: c.116A>T, p.His39Leu (NM_001128590.4); c.-309A>T (NM_001368143.2); c.-219A>T (NM_001368144.2); short protein forms H39L.
Identifiers: ClinVar variation 1451631 (VCV001451631.6), dbSNP rs1030467767, ClinGen allele CA363499053.
Genomic context (GRCh38, chr6:32,038,538, plus strand): 5'-TGTGGAACTGGTGGAAGCTCCGGAGCCTCCACCTCCCGCCTCTTGCCCCGGGCTTCTTGC[A>T]CCTGCTGCAGCCCGACCTCCCCATCTATCTGCTTGGCCTGACTCAGAAATTCGGGCCCAT-3'
Protein context (NP_000491.4, residues 29-49): HLPPLAPGFL[His39Leu]LLQPDLPIYL